The following is an entry in ClinVar:

ClinVar aggregate classification (germline): Uncertain significance (1 of 4 stars; one submission).

Conditions:
Methylcobalamin deficiency type cblG (HMAG). Also called: Functional methionine synthase deficiency type cblG; HOMOCYSTINURIA-MEGALOBLASTIC ANEMIA, cblG TYPE; HOMOCYSTINURIA-MEGALOBLASTIC ANEMIA DUE TO DEFECT IN COBALAMIN METABOLISM, cblG COMPLEMENTATION TYPE; HOMOCYSTINURIA-MEGALOBLASTIC ANEMIA, cblG COMPLEMENTATION TYPE. Identifiers: Orphanet 2170, Orphanet 622, MedGen C1855128, MONDO:0009609, OMIM 250940.

Allele frequency attached by ClinVar (database versions not stated): gnomAD exomes below 0.00001; ExAC 0.00001.
gnomAD v4.1: 6 of 1,612,366 alleles (0.00037%); highest among the groups gnomAD compares: Admixed American, 0.0017%; no homozygotes.

Submission:

Labcorp Genetics (formerly Invitae), Labcorp
Classification: Uncertain significance for Methylcobalamin deficiency type cblG. Last evaluated: 2025-10-14. Review status: criteria provided, single submitter. Criteria: Invitae Variant Classification Sherloc (09022015). Collection method: clinical testing. Allele origin: germline.
Comment: This sequence change replaces alanine, which is neutral and non-polar, with valine, which is neutral and non-polar, at codon 844 of the MTR protein (p.Ala844Val). This variant is present in population databases (rs767855659, gnomAD 0.003%). This variant has not been reported in the literature in individuals affected with MTR-related conditions. ClinVar contains an entry for this variant (Variation ID: 2153223). Invitae Evidence Modeling of protein sequence and biophysical properties (such as structural, functional, and spatial information, amino acid conservation, physicochemical variation, residue mobility, and thermodynamic stability) has been performed for this missense variant. However, the output from this modeling did not meet the statistical confidence thresholds required to predict the impact of this variant on MTR protein function. In summary, the available evidence is currently insufficient to determine the role of this variant in disease. Therefore, it has been classified as a Variant of Uncertain Significance.

NM_000254.3(MTR):c.2531C>T (p.Ala844Val)

Gene: MTR (5-methyltetrahydrofolate-homocysteine methyltransferase; plus strand). Cytogenetic location: 1q43.
Variant type: single nucleotide variant.
Coding change: c.2531C>T on transcript NM_000254.3 (MANE Select); coding-DNA position 2531, C replaced by T.
Protein change: p.Ala844Val; replaces alanine 844 with valine.
Molecular consequence: missense variant.
Genome position (GRCh38, 1-based): chr1:236,874,783, C>T. VCF-style: chr1-236874783-C-T. GRCh37 (hg19) VCF-style: chr1-237038083-C-T.
Other names: c.2378C>T, p.Ala793Val (NM_001291939.1); c.1310C>T, p.Ala437Val (NM_001291940.2); short protein forms A793V, A437V, A844V.
Identifiers: ClinVar variation 2153223 (VCV002153223.2), dbSNP rs767855659, ClinGen allele CA1474434.